The following is an entry in ClinVar:

ClinVar aggregate classification (germline): Uncertain significance (1 of 4 stars; one submission).

Allele frequency attached by ClinVar (database versions not stated): gnomAD exomes 0.00001.
gnomAD v4.1: 8 of 1,576,864 alleles (0.00051%); highest among the groups gnomAD compares: Non-Finnish European, 0.00061%; no homozygotes.

Submission:

Labcorp Genetics (formerly Invitae), Labcorp
Classification: Uncertain significance. Last evaluated: 2022-03-10. Review status: criteria provided, single submitter. Criteria: Invitae Variant Classification Sherloc (09022015). Collection method: clinical testing. Allele origin: germline.
Comment: This sequence change replaces isoleucine, which is neutral and non-polar, with threonine, which is neutral and polar, at codon 556 of the CERKL protein (p.Ile556Thr). This variant is present in population databases (no rsID available, gnomAD 0.002%). This variant has not been reported in the literature in individuals affected with CERKL-related conditions. ClinVar contains an entry for this variant (Variation ID: 1058345). Algorithms developed to predict the effect of missense changes on protein structure and function output the following: SIFT: "Tolerated"; PolyPhen-2: "Benign"; Align-GVGD: "Class C0". The threonine amino acid residue is found in multiple mammalian species, which suggests that this missense change does not adversely affect protein function. In summary, the available evidence is currently insufficient to determine the role of this variant in disease. Therefore, it has been classified as a Variant of Uncertain Significance.

NM_201548.5(CERKL):c.1589T>C (p.Ile530Thr)

Genes: CERKL (ceramide kinase like; minus strand), ITGA4 (integrin subunit alpha 4; plus strand). Cytogenetic location: 2q31.3.
Variant type: single nucleotide variant.
Coding change: c.1589T>C on transcript NM_201548.5 (MANE Select); coding-DNA position 1589, T replaced by C.
Protein change: p.Ile530Thr; replaces isoleucine 530 with threonine.
Molecular consequence: missense variant. On other transcripts: 3 prime UTR variant (1), non-coding transcript variant (2).
Genome position (GRCh38, 1-based): chr2:181,538,194, A>G on the plus strand (T>C on the coding strand, the complement: CERKL is on the minus strand). VCF-style: chr2-181538194-A-G. GRCh37 (hg19) VCF-style: chr2-182402921-A-G.
Other names: c.*2667A>G (NM_000885.6); c.1667T>C, p.Ile556Thr (NM_001030311.3); c.1250T>C, p.Ile417Thr (NM_001030312.3); c.1382T>C, p.Ile461Thr (NM_001030313.3); c.1535T>C, p.Ile512Thr (NM_001160277.2); short protein forms I417T, I461T, I512T, I530T, I556T.
Identifiers: ClinVar variation 1058345 (VCV001058345.6), dbSNP rs1383978173, ClinGen allele CA349732587.